The following is an entry in ClinVar:

NM_000455.5(STK11):c.637dup (p.Ser213fs)

Gene: STK11 (serine/threonine kinase 11; plus strand). Cytogenetic location: 19p13.3.
Variant type: Duplication.
Coding change: c.637dup on transcript NM_000455.5 (MANE Select); coding-DNA position 637, one base duplicated (A; older notation c.637dupA).
Protein change: p.Ser213fs; shifts the reading frame from serine 213.
Molecular consequence: frameshift variant. On other transcripts: non-coding transcript variant (1).
Genome position (GRCh38, 1-based): chr19:1,220,620, A duplicated. VCF-style (leftmost placement, unchanged base first): chr19-1220619-C-CA. GRCh37 (hg19) VCF-style: chr19-1220618-C-CA.
Other names: c.637dup, p.Ser213fs (NM_001407255.1); short protein forms S213fs.
Identifiers: ClinVar variation 4724209 (VCV004724209.1).
Genomic context (GRCh38, chr19:1,220,619, plus strand): 5'-GGGCTGCACGGCACCGCCACAGGCACTGCACCCGTTCGCGGCGGACGACACCTGCCGGAC[C>CA]AGCCAGGGCTCCCCGGCTTTCCAGCCGCCCGAGATTGCCAACGGCCTGGACACCTTCTCC-3'

ClinVar aggregate classification (germline): Pathogenic (1 of 4 stars; one submission).

Conditions:
Peutz-Jeghers syndrome (PJS). Also called: POLYPOSIS, HAMARTOMATOUS INTESTINAL; POLYPS-AND-SPOTS SYNDROME; Peutz-Jeghers polyposis; Periorificial lentiginosis syndrome. Identifiers: Orphanet 2869, MedGen C0031269, MeSH D010580, MONDO:0008280, OMIM 175200.

Submission:

Labcorp Genetics (formerly Invitae), Labcorp
Classification: Pathogenic for Peutz-Jeghers syndrome. Last evaluated: 2025-07-29. Review status: criteria provided, single submitter. Criteria: Invitae Variant Classification Sherloc (09022015). Collection method: clinical testing. Allele origin: germline.
Comment: This sequence change creates a premature translational stop signal (p.Ser213Lysfs*53) in the STK11 gene. It is expected to result in an absent or disrupted protein product. Loss-of-function variants in STK11 are known to be pathogenic (PMID: 15188174, 16287113). This variant is not present in population databases (gnomAD no frequency). This variant has not been reported in the literature in individuals affected with STK11-related conditions. For these reasons, this variant has been classified as Pathogenic.

Literature cited by the submitters: PubMed 15188174; PubMed 16287113.